The following is an entry in ClinVar:

NM_022437.3(ABCG8):c.51C>A (p.Pro17=)

Genes: ABCG5 (ATP binding cassette subfamily G member 5; minus strand), ABCG8 (ATP binding cassette subfamily G member 8; plus strand). Cytogenetic location: 2p21.
Variant type: single nucleotide variant.
Coding change: c.51C>A on transcript NM_022437.3 (MANE Select); coding-DNA position 51, C replaced by A.
Protein change: p.Pro17=; no amino-acid change (proline 17 retained).
Molecular consequence: synonymous variant.
Genome position (GRCh38, 1-based): chr2:43,839,104, C>A. VCF-style: chr2-43839104-C-A. GRCh37 (hg19) VCF-style: chr2-44066243-C-A.
Other names: p.Pro17=; c.51C>A, p.Pro17= (NM_001357321.2).
Identifiers: ClinVar variation 193451 (VCV000193451.24), dbSNP rs72647316, ClinGen allele CA200591.

ClinVar aggregate classification (germline): Benign/Likely benign. Review status: criteria provided, multiple submitters, no conflicts (2 of 4 stars). 8 submissions from 8 submitters: Benign (4); Likely benign (3). 1 of the submissions does not count toward it. Last evaluated 2026-01-24.

Conditions:
Cardiovascular phenotype. Identifiers: MedGen CN230736.

Allele frequency attached by ClinVar (database versions not stated): gnomAD exomes 0.00069 and 0.00184; ExAC 0.00367; gnomAD 0.00808 and 0.00868; 1000 Genomes Project 30x 0.00874; TOPMed 0.00883; 1000 Genomes Project 0.00899; ESP Exome Variant Server 0.00949.
gnomAD v4.1: 2,252 of 1,551,256 alleles (0.15%); highest among the groups gnomAD compares: African/African-American, 2.8%; 27 homozygotes.

Submissions (8):

Labcorp Genetics (formerly Invitae), Labcorp
Classification: Benign. Last evaluated: 2026-01-24. Review status: criteria provided, single submitter. Criteria: Invitae Variant Classification Sherloc (09022015). Collection method: clinical testing. Allele origin: germline.

Blueprint Genetics
Classification: Likely benign. Last evaluated: 2024-11-25. Review status: criteria provided, single submitter. Criteria: ACMG Guidelines, 2015. Collection method: clinical testing. Allele origin: germline.

Mayo Clinic Laboratories, Mayo Clinic
Classification: Benign. Last evaluated: 2024-05-20. Review status: criteria provided, single submitter. Criteria: ACMG Guidelines, 2015. Collection method: clinical testing. Allele origin: germline. Observed: 32 variant alleles.
Comment: BS1, BS2, BP4, BP7

Women's Health and Genetics/Laboratory Corporation of America, LabCorp
Classification: Likely benign. Last evaluated: 2023-07-18. Review status: criteria provided, single submitter. Criteria: LabCorp Variant Classification Summary - May 2015. Collection method: clinical testing. Allele origin: germline.

GeneDx
Classification: Likely benign. Last evaluated: 2021-02-18. Review status: criteria provided, single submitter. Criteria: GeneDx Variant Classification Process June 2021. Collection method: clinical testing. Allele origin: germline. Affected: yes.

Ambry Genetics
Classification: Benign for Cardiovascular phenotype. Last evaluated: 2019-07-16. Review status: criteria provided, single submitter. Criteria: Ambry Variant Classification Scheme 2023. Collection method: clinical testing. Allele origin: germline.

Eurofins Ntd Llc (ga)
Classification: Benign. Last evaluated: 2015-03-16. Review status: criteria provided, single submitter. Criteria: EGL Classification Definitions 2015. Collection method: clinical testing. Allele origin: germline. Observed: 2 variant alleles, 2 heterozygotes.

Genetic Services Laboratory, University of Chicago
Classification: Likely benign. Last evaluated: 2022-11-28. Review status: no assertion criteria provided. Collection method: clinical testing. Allele origin: germline. Affected: no. Not counted in ClinVar's aggregate classification.